The following is an entry in ClinVar:

NM_025179.4(PLXNA2):c.5225+10C>G

Gene: PLXNA2 (plexin A2; minus strand). Cytogenetic location: 1q32.2.
Variant type: single nucleotide variant.
Coding change: c.5225+10C>G on transcript NM_025179.4 (MANE Select); 10 bases into the intron after coding-DNA position 5225, C replaced by G.
Molecular consequence: intron variant.
Genome position (GRCh38, 1-based): chr1:208,031,580, G>C on the plus strand (C>G on the coding strand, the complement: PLXNA2 is on the minus strand). VCF-style: chr1-208031580-G-C. GRCh37 (hg19) VCF-style: chr1-208204925-G-C.
Identifiers: ClinVar variation 3048166 (VCV003048166.2), dbSNP rs199910807, ClinGen allele CA1372637.

ClinVar aggregate classification (germline): Likely benign (0 of 4 stars; one submission).

Conditions:
PLXNA2-related disorder. Also called: PLXNA2-related condition.

gnomAD v4.1: 8 of 1,613,814 alleles (0.0005%); highest among the groups gnomAD compares: African/African-American, 0.0067%; no homozygotes.

Submission:

PreventionGenetics, part of Exact Sciences
Classification: Likely benign for PLXNA2-related condition. Last evaluated: 2022-07-21. Review status: no assertion criteria provided. Collection method: clinical testing. Allele origin: germline.
Comment: This variant is classified as likely benign based on ACMG/AMP sequence variant interpretation guidelines (Richards et al. 2015 PMID: 25741868, with internal and published modifications).